The following is an entry in ClinVar:

NM_001458.5(FLNC):c.5360del (p.Leu1787fs)

Genes: FLNC-AS1 (FLNC antisense RNA 1; minus strand), FLNC (filamin C; plus strand). Cytogenetic location: 7q32.1.
Variant type: Deletion.
Coding change: c.5360del on transcript NM_001458.5 (MANE Select); coding-DNA position 5360, one base deleted (T; older notation c.5360delT).
Protein change: p.Leu1787fs; shifts the reading frame from leucine 1787.
Molecular consequence: frameshift variant.
Genome position (GRCh38, 1-based): chr7:128,850,445, T deleted. VCF-style (leftmost placement, unchanged base first): chr7-128850444-CT-C. GRCh37 (hg19) VCF-style: chr7-128490498-CT-C.
Other names: c.5261del, p.Leu1754fs (NM_001127487.2); short protein forms L1787fs, L1754fs.
Identifiers: ClinVar variation 2945350 (VCV002945350.3), dbSNP rs2536653154, ClinGen allele CA2740094847.

ClinVar aggregate classification (germline): Pathogenic (1 of 4 stars; one submission).

Conditions:
Myofibrillar myopathy 5. Also called: Filaminopathy (type); FILAMINOPATHY, AUTOSOMAL DOMINANT. Identifiers: Orphanet 171445, MedGen C1836050, MONDO:0012289, OMIM 609524.
Hypertrophic cardiomyopathy 26. Also called: Cardiomyopathy, familial hypertrophic, 26. Identifiers: Orphanet 75249, MedGen C4310749, MONDO:0014883, OMIM 617047.
Distal myopathy with posterior leg and anterior hand involvement. Also called: WILLIAMS DISTAL MYOPATHY. Identifiers: Orphanet 63273, MedGen C3279722, MONDO:0013550, OMIM 614065.

Submission:

Labcorp Genetics (formerly Invitae), Labcorp
Classification: Pathogenic for Distal myopathy with posterior leg and anterior hand involvement; Myofibrillar myopathy 5; Hypertrophic cardiomyopathy 26. Last evaluated: 2025-06-11. Review status: criteria provided, single submitter. Criteria: Invitae Variant Classification Sherloc (09022015). Collection method: clinical testing. Allele origin: germline.
Comment: This sequence change creates a premature translational stop signal (p.Leu1787Argfs*38) in the FLNC gene. It is expected to result in an absent or disrupted protein product. Loss-of-function variants in FLNC are known to be pathogenic (PMID: 27908349). This variant is not present in population databases (gnomAD no frequency). This variant has not been reported in the literature in individuals affected with FLNC-related conditions. ClinVar contains an entry for this variant (Variation ID: 2945350). For these reasons, this variant has been classified as Pathogenic.

Literature cited by the submitters: PubMed 27908349.